The following is an entry in ClinVar:

ClinVar aggregate classification (germline): Uncertain significance. Review status: criteria provided, multiple submitters, no conflicts (2 of 4 stars). 3 submissions from 3 submitters: Uncertain significance (3). Last evaluated 2025-01-13.

Conditions:
Myopathy with tubular aggregates (TAM). Also called: Tubular Aggregate Myopathy. Identifiers: Orphanet 2593, MedGen C0410207, MONDO:0008051.
Combined immunodeficiency due to STIM1 deficiency. Also called: STIM1 DEFICIENCY; IMMUNODEFICIENCY 10. Identifiers: Orphanet 169090, Orphanet 317430, MedGen C2748557, MONDO:0013008, OMIM 612783.
Stormorken syndrome (STRMK). Also called: THROMBOCYTOPATHY, ASPLENIA, AND MIOSIS. Identifiers: Orphanet 3204, MedGen C1861451, MONDO:0008497, OMIM 185070.
Inborn genetic diseases. Identifiers: MedGen C0950123, MeSH D030342.
Myopathy, tubular aggregate, 1 (TAM1). Identifiers: MedGen C4011726, MONDO:0024531, OMIM 160565.

Allele frequency attached by ClinVar (database versions not stated): gnomAD 0.00001; gnomAD exomes 0.00001; TOPMed 0.00002; ExAC 0.00004; 1000 Genomes Project 30x 0.00016; 1000 Genomes Project 0.00020.
gnomAD v4.1: 21 of 1,614,180 alleles (0.0013%); highest among the groups gnomAD compares: East Asian, 0.013%; no homozygotes.

Submissions (3):

Labcorp Genetics (formerly Invitae), Labcorp
Classification: Uncertain significance for Myopathy with tubular aggregates; Combined immunodeficiency due to STIM1 deficiency; Stormorken syndrome. Last evaluated: 2025-01-13. Review status: criteria provided, single submitter. Criteria: Invitae Variant Classification Sherloc (09022015). Collection method: clinical testing. Allele origin: germline.
Comment: This sequence change replaces valine, which is neutral and non-polar, with isoleucine, which is neutral and non-polar, at codon 221 of the STIM1 protein (p.Val221Ile). This variant is present in population databases (rs186158674, gnomAD 0.01%). This variant has not been reported in the literature in individuals affected with STIM1-related conditions. ClinVar contains an entry for this variant (Variation ID: 2143190). Invitae Evidence Modeling of protein sequence and biophysical properties (such as structural, functional, and spatial information, amino acid conservation, physicochemical variation, residue mobility, and thermodynamic stability) has been performed for this missense variant. However, the output from this modeling did not meet the statistical confidence thresholds required to predict the impact of this variant on STIM1 protein function. In summary, the available evidence is currently insufficient to determine the role of this variant in disease. Therefore, it has been classified as a Variant of Uncertain Significance.

Ambry Genetics
Classification: Uncertain significance for Inborn genetic diseases. Last evaluated: 2024-02-13. Review status: criteria provided, single submitter. Criteria: Ambry Variant Classification Scheme 2023. Collection method: clinical testing. Allele origin: germline.

Neuberg Centre For Genomic Medicine, NCGM
Classification: Uncertain significance for Myopathy, tubular aggregate, 1. Review status: criteria provided, single submitter. Criteria: ACMG Guidelines, 2015. Collection method: clinical testing. Allele origin: germline. Inheritance: Autosomal dominant inheritance. Affected: yes.
Comment: The missense variant p.V221I in STIM1 (NM_003156.4) has not been reported previously as a pathogenic variant nor as a benign variant, to our knowledge. There is a small physicochemical difference between valine and isoleucine, which is not likely to impact secondary protein structure as these residues share similar properties. The p.V221I missense variant is predicted to be damaging by both SIFT and PolyPhen2. The valine residue at codon 221 of STIM1 is conserved in all mammalian species. The nucleotide c.661 in STIM1 is predicted conserved by GERP++ and PhyloP across 100 vertebrates. For these reasons, this variant has been classified as Uncertain Significance.

NM_001382567.1(STIM1):c.661G>A (p.Val221Ile)

Gene: STIM1 (stromal interaction molecule 1; plus strand). Cytogenetic location: 11p15.4.
Variant type: single nucleotide variant.
Coding change: c.661G>A on transcript NM_001382567.1 (MANE Select); coding-DNA position 661, G replaced by A.
Protein change: p.Val221Ile; replaces valine 221 with isoleucine.
Molecular consequence: missense variant. On other transcripts: non-coding transcript variant (2).
Genome position (GRCh38, 1-based): chr11:4,070,073, G>A. VCF-style: chr11-4070073-G-A. GRCh37 (hg19) VCF-style: chr11-4091303-G-A.
Other names: c.661G>A (NM_001277961.1); c.661G>A, p.Val221Ile (NM_001277961.3, NM_001277962.2, NM_001382568.1 and 2 more transcripts); c.439G>A, p.Val147Ile (NM_001382566.1, NM_001382573.1, NM_001382574.1 and 5 more transcripts); c.526G>A, p.Val176Ile (NM_001382569.1); c.433G>A, p.Val145Ile (NM_001382570.1); c.181G>A, p.Val61Ile (NM_001382571.1); c.172G>A, p.Val58Ile (NM_001382580.1, NM_001382581.1); short protein forms V145I, V58I, V147I, V176I, V221I, V61I.
Identifiers: ClinVar variation 2143190 (VCV002143190.5), dbSNP rs186158674, ClinGen allele CA5830286.